The following is an entry in ClinVar:

ClinVar aggregate classification (germline): Uncertain significance (1 of 4 stars; one submission).

Submission:

GeneDx
Classification: Uncertain significance. Last evaluated: 2025-06-17. Review status: criteria provided, single submitter. Criteria: GeneDx Variant Classification Process June 2021. Collection method: clinical testing. Allele origin: germline. Affected: yes.
Comment: Not observed at significant frequency in large population cohorts (gnomAD); In silico analysis supports that this missense variant has a deleterious effect on protein structure/function; Has not been previously published as pathogenic or benign to our knowledge

NM_181675.4(PPP2R2B):c.931A>T (p.Met311Leu)

Genes: PPP2R2B (protein phosphatase 2 regulatory subunit Bbeta; minus strand), PPP2R2B-AS2 (PPP2R2B antisense RNA 2; plus strand). Cytogenetic location: 5q32.
Variant type: single nucleotide variant.
Coding change: c.931A>T on transcript NM_181675.4 (MANE Select); coding-DNA position 931, A replaced by T.
Protein change: p.Met311Leu; replaces methionine 311 with leucine.
Molecular consequence: missense variant.
Genome position (GRCh38, 1-based): chr5:146,600,320, T>A on the plus strand (A>T on the coding strand, the complement: PPP2R2B is on the minus strand). VCF-style: chr5-146600320-T-A. GRCh37 (hg19) VCF-style: chr5-145979883-T-A.
Other names: c.949A>T, p.Met317Leu (NM_001271899.1); c.1105A>T, p.Met369Leu (NM_001271900.2); c.898A>T, p.Met300Leu (NM_001271948.2, NM_181678.2); c.931A>T, p.Met311Leu (NM_001428277.1, NM_001428279.1); c.1129A>T, p.Met377Leu (NM_181674.3); c.940A>T, p.Met314Leu (NM_181676.3); c.871A>T, p.Met291Leu (NM_181677.2); short protein forms M291L, M300L, M311L, M314L, M317L, M369L, M377L.
Identifiers: ClinVar variation 4538876 (VCV004538876.1).